The following is an entry in ClinVar:

NM_001458.5(FLNC):c.6009del (p.Ser2004fs)

Genes: FLNC (filamin C; plus strand), FLNC-AS1 (FLNC antisense RNA 1; minus strand). Cytogenetic location: 7q32.1.
Variant type: Deletion.
Coding change: c.6009del on transcript NM_001458.5 (MANE Select); coding-DNA position 6009, one base deleted (C; older notation c.6009delC).
Protein change: p.Ser2004fs; shifts the reading frame from serine 2004.
Molecular consequence: frameshift variant.
Genome position (GRCh38, 1-based): chr7:128,852,832, C deleted. VCF-style (leftmost placement, unchanged base first): chr7-128852831-TC-T. GRCh37 (hg19) VCF-style: chr7-128492885-TC-T.
Other names: c.5910del, p.Ser1971fs (NM_001127487.2); short protein forms S1971fs, S2004fs.
Identifiers: ClinVar variation 2945653 (VCV002945653.4), dbSNP rs2536659923, ClinGen allele CA2580611033.
Genomic context (GRCh38, chr7:128,852,831, plus strand): 5'-GGGGACCTCAGGGGTGGGGGCCCACAGGATGCTCTGCCTAACACCCACTTTCCACAGGGA[TC>T]TCCTTCACCCCCAAGGAGGTCGGGGAGCACGTGGTGAGCGTGCGCAAGAGTGGCAAGCAT-3'

ClinVar aggregate classification (germline): Pathogenic. Review status: criteria provided, multiple submitters, no conflicts (2 of 4 stars). 2 submissions from 2 submitters: Pathogenic (2). Last evaluated 2025-12-24.

Conditions:
Myofibrillar myopathy 5. Also called: Filaminopathy (type); FILAMINOPATHY, AUTOSOMAL DOMINANT. Identifiers: Orphanet 171445, MedGen C1836050, MONDO:0012289, OMIM 609524.
Hypertrophic cardiomyopathy 26. Also called: Cardiomyopathy, familial hypertrophic, 26. Identifiers: Orphanet 75249, MedGen C4310749, MONDO:0014883, OMIM 617047.
Distal myopathy with posterior leg and anterior hand involvement. Also called: WILLIAMS DISTAL MYOPATHY. Identifiers: Orphanet 63273, MedGen C3279722, MONDO:0013550, OMIM 614065.
Cardiovascular phenotype. Identifiers: MedGen CN230736.

Submissions (2):

Labcorp Genetics (formerly Invitae), Labcorp
Classification: Pathogenic for Distal myopathy with posterior leg and anterior hand involvement; Myofibrillar myopathy 5; Hypertrophic cardiomyopathy 26. Last evaluated: 2025-12-24. Review status: criteria provided, single submitter. Criteria: Invitae Variant Classification Sherloc (09022015). Collection method: clinical testing. Allele origin: germline.
Comment: This sequence change creates a premature translational stop signal (p.Ser2004Profs*12) in the FLNC gene. It is expected to result in an absent or disrupted protein product. Loss-of-function variants in FLNC are known to be pathogenic (PMID: 27908349). This variant is not present in population databases (gnomAD no frequency). This variant has not been reported in the literature in individuals affected with FLNC-related conditions. ClinVar contains an entry for this variant (Variation ID: 2945653). For these reasons, this variant has been classified as Pathogenic.

Ambry Genetics
Classification: Pathogenic for Cardiovascular phenotype. Last evaluated: 2023-10-05. Review status: criteria provided, single submitter. Criteria: Ambry Variant Classification Scheme 2023. Collection method: clinical testing. Allele origin: germline.
Comment: The c.6009delC pathogenic mutation, located in coding exon 37 of the FLNC gene, results from a deletion of one nucleotide at nucleotide position 6009, causing a translational frameshift with a predicted alternate stop codon (p.S2004Pfs*12). This variant is considered to be rare based on population cohorts in the Genome Aggregation Database (gnomAD). This alteration is expected to result in loss of function by premature protein truncation or nonsense-mediated mRNA decay. Based on the supporting evidence, this variant is expected to be causative of FLNC-related dilated cardiomyopathy; however, its clinical significance for FLNC-related hypertrophic/restrictive cardiomyopathy and/or skeletal myopathy is unclear.

Literature cited by the submitters: PubMed 27908349 (cited by Labcorp Genetics (formerly Invitae), Labcorp).